The following is an entry in ClinVar:

ClinVar aggregate classification (germline): Uncertain significance. Review status: criteria provided, multiple submitters, no conflicts (2 of 4 stars). 4 submissions from 4 submitters: Uncertain significance (4). Last evaluated 2025-10-14.

Conditions:
Epidermolysis bullosa simplex 5C, with pyloric atresia (EBS5C). Also called: PLEC-Related Epidermolysis Bullosa with Pyloric Atresia; Epidermolysis bullosa simplex with pyloric atresia; PLEC1-Related Epidermolysis Bullosa with Pyloric Atresia. Identifiers: Orphanet 158684, MedGen C2677349, MONDO:0012807, OMIM 612138.
Epidermolysis bullosa simplex, Ogna type (EBS5A). Also called: Pidermolysis bullosa simplex 5A, Ogna type; EPIDERMOLYSIS BULLOSA SIMPLEX 5A, OGNA TYPE. Identifiers: Orphanet 79401, MedGen C0432317, MONDO:0007555, OMIM 131950.
Epidermolysis bullosa simplex 5B, with muscular dystrophy (EBS5B). Also called: Epidermolysis bullosa simplex with muscular dystrophy; EPIDERMOLYSIS BULLOSA SIMPLEX AND LIMB-GIRDLE MUSCULAR DYSTROPHY. Identifiers: Orphanet 257, MedGen C2931072, MONDO:0009181, OMIM 226670.
Epidermolysis bullosa simplex with nail dystrophy (EBS5D). Identifiers: MedGen C4225309, MONDO:0014661, OMIM 616487.
Autosomal recessive limb-girdle muscular dystrophy type 2Q (LGMDR17). Also called: MUSCULAR DYSTROPHY, LIMB-GIRDLE, AUTOSOMAL RECESSIVE 17. Identifiers: Orphanet 254361, MedGen C3150989, MONDO:0013390, OMIM 613723.
Inborn genetic diseases. Identifiers: MedGen C0950123, MeSH D030342.

Allele frequency attached by ClinVar (database versions not stated): gnomAD exomes 0.00006 and 0.00018; ExAC 0.00008; TOPMed 0.00009; gnomAD 0.00010.
gnomAD v4.1: 267 of 1,591,834 alleles (0.017%); highest among the groups gnomAD compares: Non-Finnish European, 0.021%; no homozygotes.

Submissions (4):

Labcorp Genetics (formerly Invitae), Labcorp
Classification: Uncertain significance for Autosomal recessive limb-girdle muscular dystrophy type 2Q; Epidermolysis bullosa simplex, Ogna type; Epidermolysis bullosa simplex with nail dystrophy; Epidermolysis bullosa simplex 5C, with pyloric atresia; Epidermolysis bullosa simplex 5B, with muscular dystrophy. Last evaluated: 2025-10-14. Review status: criteria provided, single submitter. Criteria: Invitae Variant Classification Sherloc (09022015). Collection method: clinical testing. Allele origin: germline.
Comment: This sequence change replaces arginine, which is basic and polar, with tryptophan, which is neutral and slightly polar, at codon 518 of the PLEC protein (p.Arg518Trp). This variant is present in population databases (rs201001882, gnomAD 0.02%). This variant has not been reported in the literature in individuals affected with PLEC-related conditions. ClinVar contains an entry for this variant (Variation ID: 478630). Invitae Evidence Modeling of protein sequence and biophysical properties (such as structural, functional, and spatial information, amino acid conservation, physicochemical variation, residue mobility, and thermodynamic stability) has been performed for this missense variant. However, the output from this modeling did not meet the statistical confidence thresholds required to predict the impact of this variant on PLEC protein function. In summary, the available evidence is currently insufficient to determine the role of this variant in disease. Therefore, it has been classified as a Variant of Uncertain Significance.

Mayo Clinic Laboratories, Mayo Clinic
Classification: Uncertain significance. Last evaluated: 2025-03-31. Review status: criteria provided, single submitter. Criteria: ACMG Guidelines, 2015. Collection method: clinical testing. Allele origin: germline. Observed: 2 variant alleles.
Comment: PP3

Blueprint Genetics
Classification: Uncertain significance. Last evaluated: 2024-11-07. Review status: criteria provided, single submitter. Criteria: ACMG Guidelines, 2015. Collection method: clinical testing. Allele origin: germline.

Ambry Genetics
Classification: Uncertain significance for Inborn genetic diseases. Last evaluated: 2024-03-05. Review status: criteria provided, single submitter. Criteria: Ambry Variant Classification Scheme 2023. Collection method: clinical testing. Allele origin: germline.

NM_201384.3(PLEC):c.1471C>T (p.Arg491Trp)

Gene: PLEC (plectin; minus strand). Cytogenetic location: 8q24.3.
Variant type: single nucleotide variant.
Coding change: c.1471C>T on transcript NM_201384.3 (MANE Select); coding-DNA position 1471, C replaced by T.
Protein change: p.Arg491Trp; replaces arginine 491 with tryptophan.
Molecular consequence: missense variant.
Genome position (GRCh38, 1-based): chr8:143,933,059, G>A on the plus strand (C>T on the coding strand, the complement: PLEC is on the minus strand). VCF-style: chr8-143933059-G-A. GRCh37 (hg19) VCF-style: chr8-145007227-G-A.
Other names: p.Arg518Trp; c.1552C>T (NM_000445.3); c.1552C>T, p.Arg518Trp (NM_000445.5); c.1429C>T, p.Arg477Trp (NM_201378.4); c.1405C>T, p.Arg469Trp (NM_201379.3); c.1882C>T, p.Arg628Trp (NM_201380.4); c.1375C>T, p.Arg459Trp (NM_201381.3); c.1471C>T, p.Arg491Trp (NM_201382.4); and 1 more; short protein forms R459W, R518W, R469W, R477W, R491W, R495W, R628W.
Identifiers: ClinVar variation 478630 (VCV000478630.8), dbSNP rs201001882, ClinGen allele CA4927945.
Genomic context (GRCh38, chr8:143,933,059, plus strand): 5'-CACTCTGCAGAGTCACCTGGGCCACCTGGGTTGCAGGGGCCGCCACGCCTGCCTTCAGCC[G>A]TAGGTTGTACTCGGTGCGGATGGCTACCAGGCGCTCGTGCAGACGGTACACCCTGGGGCA-3'
Protein context (NP_958786.1, residues 481-501): LVAIRTEYNL[Arg491Trp]LKAGVAAPAT